The following is an entry in ClinVar:

NM_001277313.2(FMN1):c.3343GAA[2] (p.Glu1117del)

Gene: FMN1 (formin 1; minus strand). Cytogenetic location: 15q13.3.
Variant type: Microsatellite.
Coding change: c.3343GAA[2] on transcript NM_001277313.2 (MANE Select); two copies in a row of the 3-base unit GAA starting at c.3343; the reference has three copies in a row; one copy, 3 bases deleted.
Protein change: p.Glu1117del; deletes glutamic acid 1117.
Molecular consequence: inframe deletion.
Genome position (GRCh38, 1-based): chr15:32,908,516-32,908,518, TTC deleted on the plus strand (GAA on the coding strand, the reverse complement: FMN1 is on the minus strand); deleting any 3 consecutive bases within chr15:32,908,516-32,908,526 gives the same sequence; the position shown is the placement nearest the transcript's 3' end. VCF-style (leftmost placement, unchanged base first): chr15-32908515-GTTC-G. GRCh37 (hg19) VCF-style: chr15-33200716-GTTC-G.
Other names: c.2674GAA[2], p.Glu894del (NM_001103184.4); short protein forms E1117del, E894del.
Identifiers: ClinVar variation 502004 (VCV000502004.13), dbSNP rs535428264, ClinGen allele CA7456620.

ClinVar aggregate classification (germline): Likely benign. Review status: criteria provided, multiple submitters, no conflicts (2 of 4 stars). 3 submissions from 3 submitters: Likely benign (2). 1 of the submissions does not count toward it. Last evaluated 2025-11-26.

Conditions:
FMN1-related disorder. Also called: FMN1-related condition.

Submissions (3):

Labcorp Genetics (formerly Invitae), Labcorp
Classification: Likely benign. Last evaluated: 2025-11-26. Review status: criteria provided, single submitter. Criteria: Invitae Variant Classification Sherloc (09022015). Collection method: clinical testing. Allele origin: germline.

Eurofins Ntd Llc (ga)
Classification: Likely benign. Last evaluated: 2017-05-23. Review status: criteria provided, single submitter. Criteria: EGL Classification Definitions 2015. Collection method: clinical testing. Allele origin: germline. Observed: 1 variant allele, 1 heterozygote.

PreventionGenetics, part of Exact Sciences
Classification: Likely benign for FMN1-related condition. Last evaluated: 2022-07-12. Review status: no assertion criteria provided. Collection method: clinical testing. Allele origin: germline. Not counted in ClinVar's aggregate classification.
Comment: This variant is classified as likely benign based on ACMG/AMP sequence variant interpretation guidelines (Richards et al. 2015 PMID: 25741868, with internal and published modifications).